The following is an entry in ClinVar:

NM_139319.3(SLC17A8):c.1054-46C>G

Gene: SLC17A8 (solute carrier family 17 member 8; plus strand). Cytogenetic location: 12q23.1.
Variant type: single nucleotide variant.
Coding change: c.1054-46C>G on transcript NM_139319.3 (MANE Select); 46 bases into the intron before coding-DNA position 1054, C replaced by G.
Molecular consequence: intron variant.
Genome position (GRCh38, 1-based): chr12:100,403,992, C>G. VCF-style: chr12-100403992-C-G. GRCh37 (hg19) VCF-style: chr12-100797770-C-G.
Other names: c.904-46C>G (NM_001145288.2).
Identifiers: ClinVar variation 684143 (VCV000684143.2), dbSNP rs11568549, ClinGen allele CA6738923.
Genomic context (GRCh38, chr12:100,403,992, plus strand): 5'-GGTGGTGGTAGGTAGGGGGGCTGTGGAGTGGAGGTGGGCAAGGGAATTAGGGAGGCCCCT[C>G]TCTCAGAAATAATGACAAACTGCTTACTGTTTCTTTCCCTTCCAGGTGGGTCTCTTGTCA-3'

ClinVar aggregate classification (germline): Benign. Review status: criteria provided, multiple submitters, no conflicts (2 of 4 stars). 2 submissions from 2 submitters: Benign (2). Last evaluated 2018-06-16.

Allele frequency attached by ClinVar (database versions not stated): gnomAD exomes 0.00143 and 0.00410; ExAC 0.00510; ESP Exome Variant Server 0.01476; gnomAD 0.01606 and 0.01715; TOPMed 0.01705; 1000 Genomes Project 0.01757; 1000 Genomes Project 30x 0.01983.
gnomAD v4.1: 4,656 of 1,612,780 alleles (0.29%); highest among the groups gnomAD compares: African/African-American, 5.3%; 115 homozygotes.

Submissions (2):

GeneDx
Classification: Benign. Last evaluated: 2018-06-16. Review status: criteria provided, single submitter. Criteria: GeneDx Variant Classification (06012015). Collection method: clinical testing. Allele origin: germline. Affected: yes.
Comment: This variant is considered likely benign or benign based on one or more of the following criteria: it is a conservative change, it occurs at a poorly conserved position in the protein, it is predicted to be benign by multiple in silico algorithms, and/or has population frequency not consistent with disease.

Breakthrough Genomics
Classification: Benign. Review status: criteria provided, single submitter. Criteria: ACMG Guidelines, 2015. Collection method: not provided. Allele origin: germline. Inheritance: Autosomal dominant inheritance. Affected: yes.